The following is an entry in ClinVar:

ClinVar aggregate classification (germline): Likely pathogenic (1 of 4 stars; one submission).

Conditions:
Curry-Hall syndrome (WAD). Also called: WEYERS ACRODENTAL DYSOSTOSIS. Identifiers: Orphanet 952, MedGen C0457013, MONDO:0008673, OMIM 193530.
Ellis-van Creveld syndrome (EVC). Also called: EVC-Related Ellis-van Creveld Syndrome; EVC2-Related Ellis-van Creveld Syndrome; Chondroectodermal dysplasia; MESOECTODERMAL DYSPLASIA. Identifiers: Orphanet 289, MedGen C0013903, MONDO:0009162, OMIM 225500.

Submission:

Labcorp Genetics (formerly Invitae), Labcorp
Classification: Likely pathogenic for Curry-Hall syndrome; Ellis-van Creveld syndrome. Last evaluated: 2023-05-30. Review status: criteria provided, single submitter. Criteria: Invitae Variant Classification Sherloc (09022015). Collection method: clinical testing. Allele origin: germline.
Comment: In summary, the currently available evidence indicates that the variant is pathogenic, but additional data are needed to prove that conclusively. Therefore, this variant has been classified as Likely Pathogenic. Algorithms developed to predict the effect of sequence changes on RNA splicing suggest that this variant may disrupt the consensus splice site. ClinVar contains an entry for this variant (Variation ID: 2422082). This variant has not been reported in the literature in individuals affected with EVC2-related conditions. This variant is not present in population databases (gnomAD no frequency). This sequence change affects a splice site in intron 9 of the EVC2 gene. It is expected to disrupt RNA splicing. Variants that disrupt the donor or acceptor splice site typically lead to a loss of protein function (PMID: 16199547), and loss-of-function variants in EVC2 are known to be pathogenic (PMID: 17024374, 19810119, 19876929).

Literature cited by the submitters: PubMed 16199547; PubMed 17024374; PubMed 19810119; PubMed 19876929.

NM_147127.5(EVC2):c.1145+2del

Gene: EVC2 (EvC ciliary complex subunit 2; minus strand). Cytogenetic location: 4p16.2.
Variant type: Deletion.
Coding change: c.1145+2del on transcript NM_147127.5 (MANE Select); the canonical splice donor site of the intron after coding-DNA position 1145, one base deleted (T; older notation c.1145+2delT).
Molecular consequence: splice donor variant.
Genome position (GRCh38, 1-based): chr4:5,663,105, A deleted on the plus strand (T on the coding strand, the reverse complement: EVC2 is on the minus strand). VCF-style (leftmost placement, unchanged base first): chr4-5663104-TA-T. GRCh37 (hg19) VCF-style: chr4-5664831-TA-T.
Other names: c.905+2del (NM_001166136.2).
Identifiers: ClinVar variation 2422082 (VCV002422082.7), dbSNP rs2475505734, ClinGen allele CA2580070756.